The following is an entry in ClinVar:

NM_017654.4(SAMD9):c.1310T>G (p.Phe437Cys)

Gene: SAMD9 (sterile alpha motif domain containing 9; minus strand). Cytogenetic location: 7q21.2.
Variant type: single nucleotide variant.
Coding change: c.1310T>G on transcript NM_017654.4 (MANE Select); coding-DNA position 1310, T replaced by G.
Protein change: p.Phe437Cys; replaces phenylalanine 437 with cysteine.
Molecular consequence: missense variant.
Genome position (GRCh38, 1-based): chr7:93,104,788, A>C on the plus strand (T>G on the coding strand, the complement: SAMD9 is on the minus strand). VCF-style: chr7-93104788-A-C. GRCh37 (hg19) VCF-style: chr7-92734101-A-C.
Other names: c.1310T>G, p.Phe437Cys (NM_001193307.2); short protein forms F437C.
Identifiers: ClinVar variation 1029632 (VCV001029632.2), dbSNP rs1791602240, ClinGen allele CA368197661.

ClinVar aggregate classification (germline): Conflicting classifications of pathogenicity. Review status: criteria provided, conflicting classifications (1 of 4 stars). 2 submissions from 2 submitters: Likely pathogenic (1); Uncertain significance (1). Last evaluated 2025-11-05.

Conditions:
Inborn genetic diseases. Identifiers: MedGen C0950123, MeSH D030342.
MIRAGE syndrome. Also called: MYELODYSPLASIA, INFECTION, RESTRICTION OF GROWTH, ADRENAL HYPOPLASIA, GENITAL PHENOTYPES, AND ENTEROPATHY. Identifiers: Orphanet 494433, MedGen C4284088, MONDO:0014888, OMIM 617053.

Submissions (2):

Ambry Genetics
Classification: Uncertain significance for Inborn genetic diseases. Last evaluated: 2025-11-05. Review status: criteria provided, single submitter. Criteria: Ambry Variant Classification Scheme 2023. Collection method: clinical testing. Allele origin: germline.
Comment: The p.F437C variant (also known as c.1310T>G), located in coding exon 1 of the SAMD9 gene, results from a T to G substitution at nucleotide position 1310. The phenylalanine at codon 437 is replaced by cysteine, an amino acid with highly dissimilar properties. This amino acid position is conserved. In addition, the in silico prediction for this alteration is inconclusive. Based on the available evidence, the clinical significance of this variant remains unclear.

Baylor Genetics
Classification: Likely pathogenic for MIRAGE syndrome. Last evaluated: 2019-08-08. Review status: criteria provided, single submitter. Criteria: ACMG Guidelines, 2015. Collection method: clinical testing. Allele origin: de novo. Affected: yes.
Comment: This variant was determined to be likely pathogenic according to ACMG Guidelines, 2015 [PMID:25741868].